The following is an entry in ClinVar:

NM_001130438.3(SPTAN1):c.6236C>T (p.Ala2079Val)

Gene: SPTAN1 (spectrin alpha, non-erythrocytic 1; plus strand). Cytogenetic location: 9q34.11.
Variant type: single nucleotide variant.
Coding change: c.6236C>T on transcript NM_001130438.3 (MANE Select); coding-DNA position 6236, C replaced by T.
Protein change: p.Ala2079Val; replaces alanine 2079 with valine.
Molecular consequence: missense variant.
Genome position (GRCh38, 1-based): chr9:128,625,935, C>T. VCF-style: chr9-128625935-C-T. GRCh37 (hg19) VCF-style: chr9-131388214-C-T.
Other names: c.6161C>T, p.Ala2054Val (NM_001195532.2); c.6236C>T, p.Ala2079Val (NM_001363759.2, NM_001375310.1, NM_001375311.2 and 1 more transcripts); c.6176C>T, p.Ala2059Val (NM_001363765.2, NM_001375314.2); c.6272C>T, p.Ala2091Val (NM_001375312.2, NM_001375318.1); c.6221C>T, p.Ala2074Val (NM_003127.4); short protein forms A2054V, A2059V, A2074V, A2079V, A2091V.
Identifiers: ClinVar variation 3620577 (VCV003620577.2).

ClinVar aggregate classification (germline): Uncertain significance (1 of 4 stars; one submission).

Conditions:
Early-infantile DEE. Also called: Early infantile epileptic encephalopathy; Ohtahara syndrome; Early infantile epileptic encephalopathy with suppression bursts. Identifiers: Orphanet 1934, MedGen C0393706, MONDO:0800491.

gnomAD v4.1: 1 of 1,614,194 alleles (0.000062%); highest among the groups gnomAD compares: Non-Finnish European, 0.000085%; no homozygotes.

Submission:

Labcorp Genetics (formerly Invitae), Labcorp
Classification: Uncertain significance for Early-infantile DEE. Last evaluated: 2024-04-24. Review status: criteria provided, single submitter. Criteria: Invitae Variant Classification Sherloc (09022015). Collection method: clinical testing. Allele origin: germline.
Comment: This sequence change replaces alanine, which is neutral and non-polar, with valine, which is neutral and non-polar, at codon 2079 of the SPTAN1 protein (p.Ala2079Val). This variant is not present in population databases (gnomAD no frequency). This variant has not been reported in the literature in individuals affected with SPTAN1-related conditions. Advanced modeling of protein sequence and biophysical properties (such as structural, functional, and spatial information, amino acid conservation, physicochemical variation, residue mobility, and thermodynamic stability) has been performed at Invitae for this missense variant, however the output from this modeling did not meet the statistical confidence thresholds required to predict the impact of this variant on SPTAN1 protein function. In summary, the available evidence is currently insufficient to determine the role of this variant in disease. Therefore, it has been classified as a Variant of Uncertain Significance.